The following is an entry in ClinVar:

NM_198904.4(GABRG2):c.644G>A (p.Arg215His)

Gene: GABRG2 (gamma-aminobutyric acid type A receptor subunit gamma2; plus strand). Cytogenetic location: 5q34.
Variant type: single nucleotide variant.
Coding change: c.644G>A on transcript NM_198904.4 (MANE Select); coding-DNA position 644, G replaced by A.
Protein change: p.Arg215His; replaces arginine 215 with histidine.
Molecular consequence: missense variant.
Genome position (GRCh38, 1-based): chr5:162,103,901, G>A. VCF-style: chr5-162103901-G-A. GRCh37 (hg19) VCF-style: chr5-161530907-G-A.
Other names: c.644G>A, p.Arg215His (NM_000816.3, NM_001375340.1, NM_001375341.1 and 2 more transcripts); c.635G>A, p.Arg212His (NM_001375339.1); c.764G>A, p.Arg255His (NM_001375343.1, NM_198903.2); c.578G>A, p.Arg193His (NM_001375345.1, NM_001375346.1); c.557G>A, p.Arg186His (NM_001375347.1); c.224G>A, p.Arg75His (NM_001375348.1, NM_001375350.1); c.359G>A, p.Arg120His (NM_001375349.1); short protein forms R186H, R212H, R75H, R215H, R120H, R193H, R255H.
Identifiers: ClinVar variation 958395 (VCV000958395.12), dbSNP rs1561645172, ClinGen allele CA362184986.

ClinVar aggregate classification (germline): Uncertain significance. Review status: criteria provided, multiple submitters, no conflicts (2 of 4 stars). 2 submissions from 2 submitters: Uncertain significance (2). Last evaluated 2022-09-01.

Conditions:
EPILEPSY, CHILDHOOD ABSENCE, SUSCEPTIBILITY TO, 2 (ECA2). Identifiers: Orphanet 64280, MedGen C1843244, OMIM 607681.
Febrile seizures, familial, 8 (FEB8). Also called: CONVULSIONS, FAMILIAL FEBRILE, 8. Identifiers: Orphanet 36387, MedGen C1969810, MONDO:0011891, OMIM 607681.

Allele frequency attached by ClinVar (database versions not stated): gnomAD 0.00001.
gnomAD v4.1: 5 of 1,613,784 alleles (0.00031%); highest among the groups gnomAD compares: Non-Finnish European, 0.00034%; no homozygotes.

Submissions (2):

Labcorp Genetics (formerly Invitae), Labcorp
Classification: Uncertain significance for Febrile seizures, familial, 8; EPILEPSY, CHILDHOOD ABSENCE, SUSCEPTIBILITY TO, 2. Last evaluated: 2022-09-01. Review status: criteria provided, single submitter. Criteria: Invitae Variant Classification Sherloc (09022015). Collection method: clinical testing. Allele origin: germline.
Comment: This sequence change replaces arginine, which is basic and polar, with histidine, which is basic and polar, at codon 215 of the GABRG2 protein (p.Arg215His). This variant is not present in population databases (gnomAD no frequency). This variant has not been reported in the literature in individuals affected with GABRG2-related conditions. ClinVar contains an entry for this variant (Variation ID: 958395). Advanced modeling of protein sequence and biophysical properties (such as structural, functional, and spatial information, amino acid conservation, physicochemical variation, residue mobility, and thermodynamic stability) performed at Invitae indicates that this missense variant is expected to disrupt GABRG2 protein function. In summary, the available evidence is currently insufficient to determine the role of this variant in disease. Therefore, it has been classified as a Variant of Uncertain Significance.

Revvity Omics, Revvity
Classification: Uncertain significance. Last evaluated: 2021-10-29. Review status: criteria provided, single submitter. Criteria: ACMG Guidelines, 2015. Collection method: clinical testing. Allele origin: germline.